The following is an entry in ClinVar:

ClinVar aggregate classification (germline): Benign/Likely benign. Review status: criteria provided, multiple submitters, no conflicts (2 of 4 stars). 3 submissions from 3 submitters: Benign (1); Likely benign (2). Last evaluated 2025-06-05.

Conditions:
TCOF1-related disorder. Also called: TCOF1-related condition.
Treacher Collins syndrome 1 (TCS1). Also called: TCOF1-Related Treacher Collins Syndrome. Identifiers: Orphanet 861, MedGen CN315775, MONDO:0007944, OMIM 154500.

Allele frequency attached by ClinVar (database versions not stated): gnomAD exomes 0.00008 and 0.00014; ExAC 0.00012; ESP Exome Variant Server 0.00054; 1000 Genomes Project 30x 0.00062; gnomAD 0.00067 and 0.00072; TOPMed 0.00068; 1000 Genomes Project 0.00080.
gnomAD v4.1: 215 of 1,612,310 alleles (0.013%); highest among the groups gnomAD compares: African/African-American, 0.24%; 1 homozygote.

Submissions (3):

Labcorp Genetics (formerly Invitae), Labcorp
Classification: Likely benign for Treacher Collins syndrome 1. Last evaluated: 2025-06-05. Review status: criteria provided, single submitter. Criteria: Invitae Variant Classification Sherloc (09022015). Collection method: clinical testing. Allele origin: germline.

PreventionGenetics, part of Exact Sciences
Classification: Likely benign for TCOF1-related condition. Last evaluated: 2025-04-11. Review status: criteria provided, single submitter. Criteria: ACMG Guidelines, 2015. Collection method: clinical testing. Allele origin: germline.
Comment: This variant is classified as likely benign based on ACMG/AMP sequence variant interpretation guidelines (Richards et al. 2015 PMID: 25741868, with internal and published modifications).

GeneDx
Classification: Benign. Last evaluated: 2020-03-26. Review status: criteria provided, single submitter. Criteria: GeneDx Variant Classification Process June 2021. Collection method: clinical testing. Allele origin: germline. Affected: yes.
Comment: This variant is associated with the following publications: (PMID: 28065470)

NM_001371623.1(TCOF1):c.1535T>C (p.Met512Thr)

Gene: TCOF1 (treacle ribosome biogenesis factor 1; plus strand). Cytogenetic location: 5q32.
Variant type: single nucleotide variant.
Coding change: c.1535T>C on transcript NM_001371623.1 (MANE Select); coding-DNA position 1535, T replaced by C.
Protein change: p.Met512Thr; replaces methionine 512 with threonine.
Molecular consequence: missense variant.
Genome position (GRCh38, 1-based): chr5:150,375,385, T>C. VCF-style: chr5-150375385-T-C. GRCh37 (hg19) VCF-style: chr5-149754948-T-C.
Other names: c.1304T>C, p.Met435Thr (NM_000356.4, NM_001135245.2); c.1535T>C, p.Met512Thr (NM_001008657.3, NM_001135243.2, NM_001135244.2 and 1 more transcripts); short protein forms M435T, M512T.
Identifiers: ClinVar variation 1095628 (VCV001095628.10), dbSNP rs201458471, ClinGen allele CA3510908.